The following is an entry in ClinVar:

ClinVar aggregate classification (germline): Uncertain significance. Review status: criteria provided, multiple submitters, no conflicts (2 of 4 stars). 2 submissions from 2 submitters: Uncertain significance (2). Last evaluated 2023-09-23.

Allele frequency attached by ClinVar (database versions not stated): gnomAD 0.00001; gnomAD exomes 0.00001; TOPMed 0.00003; ExAC 0.00005.
gnomAD v4.1: 15 of 1,614,076 alleles (0.00093%); highest among the groups gnomAD compares: East Asian, 0.027%; no homozygotes.

Submissions (2):

Labcorp Genetics (formerly Invitae), Labcorp
Classification: Uncertain significance. Last evaluated: 2023-09-23. Review status: criteria provided, single submitter. Criteria: Invitae Variant Classification Sherloc (09022015). Collection method: clinical testing. Allele origin: germline.
Comment: In summary, the available evidence is currently insufficient to determine the role of this variant in disease. Therefore, it has been classified as a Variant of Uncertain Significance. Advanced modeling of protein sequence and biophysical properties (such as structural, functional, and spatial information, amino acid conservation, physicochemical variation, residue mobility, and thermodynamic stability) performed at Invitae indicates that this missense variant is not expected to disrupt GCKR protein function. ClinVar contains an entry for this variant (Variation ID: 2547744). This variant has not been reported in the literature in individuals affected with GCKR-related conditions. This variant is present in population databases (rs777420998, gnomAD 0.05%). This sequence change replaces alanine, which is neutral and non-polar, with threonine, which is neutral and polar, at codon 58 of the GCKR protein (p.Ala58Thr).

Ambry Genetics
Classification: Uncertain significance. Last evaluated: 2023-05-17. Review status: criteria provided, single submitter. Criteria: Ambry Variant Classification Scheme 2023. Collection method: clinical testing. Allele origin: germline.
Comment: Does not currently meet published gene-disease clinical validity criteria Based on insufficient or conflicting evidence, the clinical significance of this alteration remains unclear.

Literature cited by the submitters: PubMed 28106320 (cited by Ambry Genetics).

NM_001486.4(GCKR):c.172G>A (p.Ala58Thr)

Gene: GCKR (glucokinase regulator; plus strand). Cytogenetic location: 2p23.3.
Variant type: single nucleotide variant.
Coding change: c.172G>A on transcript NM_001486.4 (MANE Select); coding-DNA position 172, G replaced by A.
Protein change: p.Ala58Thr; replaces alanine 58 with threonine.
Molecular consequence: missense variant.
Genome position (GRCh38, 1-based): chr2:27,497,355, G>A. VCF-style: chr2-27497355-G-A. GRCh37 (hg19) VCF-style: chr2-27720222-G-A.
Other names: short protein forms A58T.
Identifiers: ClinVar variation 2547744 (VCV002547744.5), dbSNP rs777420998, ClinGen allele CA1581451.
Genomic context (GRCh38, chr2:27,497,355, plus strand): 5'-ACCCAGGATCTAGACAAAGCAGATGCTGAGAACATTGTTCGACTGCTAGGGCAATGTGAT[G>A]CTGAGATCTTCCAGGAGGAGGGGCAAGCCCTGTCCACATACCAGGTAACCAAGACCCAAG-3'
Protein context (NP_001477.2, residues 48-68): NIVRLLGQCD[Ala58Thr]EIFQEEGQAL